The following is an entry in ClinVar:

ClinVar aggregate classification (germline): Uncertain significance. Review status: criteria provided, multiple submitters, no conflicts (2 of 4 stars). 5 submissions from 5 submitters: Uncertain significance (5). Last evaluated 2023-03-19.

Conditions:
Nonpapillary renal cell carcinoma. Identifiers: Orphanet 422526, MedGen CN074294, MONDO:0007763, OMIM 144700.
Type 2 diabetes mellitus. Also called: Type II diabetes mellitus. Identifiers: MedGen C0011860, MeSH D003924, MONDO:0005148, OMIM 125853, HP:0005978.
Maturity-onset diabetes of the young type 3. Also called: MODY type 3; MODY, type III. Identifiers: Orphanet 552, MedGen C1838100, MeSH C563933, MONDO:0010894, OMIM 600496. Disease mechanism: loss of function.
Type 1 diabetes mellitus 20 (T1D20). Also called: Diabetes mellitus, insulin-dependent, 20. Identifiers: MedGen C2675866, MONDO:0012919, OMIM 612520.
Hepatic adenomas, familial. Also called: LIVER CELL ADENOMAS, FAMILIAL; HEPATIC ADENOMA, SOMATIC. Identifiers: MedGen C1840646, MONDO:0007718, OMIM 142330.
Diabetes mellitus type 1 (T1D). Also called: Type I diabetes mellitus; Diabetes Mellitus, Juvenile-Onset. Identifiers: MedGen C0011854, MONDO:0005147, OMIM 222100, HP:0100651.

Allele frequency attached by ClinVar (database versions not stated): ExAC 0.00001; gnomAD exomes 0.00001.
gnomAD v4.1: 7 of 1,595,544 alleles (0.00044%); highest among the groups gnomAD compares: Admixed American, 0.0017%; no homozygotes.

Submissions (5):

Labcorp Genetics (formerly Invitae), Labcorp
Classification: Uncertain significance. Last evaluated: 2023-03-19. Review status: criteria provided, single submitter. Criteria: Invitae Variant Classification Sherloc (09022015). Collection method: clinical testing. Allele origin: germline.
Comment: This sequence change replaces proline, which is neutral and non-polar, with threonine, which is neutral and polar, at codon 289 of the HNF1A protein (p.Pro289Thr). The frequency data for this variant in the population databases is considered unreliable, as metrics indicate poor data quality at this position in the gnomAD database. This variant has not been reported in the literature in individuals affected with HNF1A-related conditions. ClinVar contains an entry for this variant (Variation ID: 1338671). Advanced modeling of protein sequence and biophysical properties (such as structural, functional, and spatial information, amino acid conservation, physicochemical variation, residue mobility, and thermodynamic stability) performed at Invitae indicates that this missense variant is not expected to disrupt HNF1A protein function. In summary, the available evidence is currently insufficient to determine the role of this variant in disease. Therefore, it has been classified as a Variant of Uncertain Significance.

GeneDx
Classification: Uncertain significance. Last evaluated: 2022-06-10. Review status: criteria provided, single submitter. Criteria: GeneDx Variant Classification Process June 2021. Collection method: clinical testing. Allele origin: germline. Affected: yes.
Comment: In silico analysis supports that this missense variant does not alter protein structure/function; Has not been previously published as pathogenic or benign to our knowledge; This variant is associated with the following publications: (PMID: 21224407)

Genetic Services Laboratory, University of Chicago
Classification: Uncertain significance. Last evaluated: 2021-11-05. Review status: criteria provided, single submitter. Criteria: ACMG Guidelines, 2015. Collection method: clinical testing. Allele origin: germline. Affected: no.
Comment: DNA sequence analysis of the HNF1A gene demonstrated a sequence change, c.865C>A, in exon 4 that results in an amino acid change, p.Pro289Thr. This sequence change has been described in the gnomAD database in three individuals which corresponds to a population frequency of 0.0011% (dbSNP rs765829022). The p.Pro289Thr change affects a moderately conserved amino acid residue located in a domain of the HNF1A protein that is known to be functional. In-silico pathogenicity prediction tools (SIFT, PolyPhen2, Align GVGD, REVEL) provide contradictory results for the p.Pro289Thr substitution. This sequence change does not appear to have been previously described in individuals with HNF1A-related disorders, however, different variants impacting the same amino acid (p.Pro289Arg and p.Pro289Ser) have been observed in individuals with MODY (PMID: 11058894, 180037570). Due to insufficient evidences and the lack of functional studies, the clinical significance of the p.Pro289Thr change remains unknown at this time.

Fulgent Genetics
Classification: Uncertain significance for Type 2 diabetes mellitus; Hepatic adenomas, familial; Nonpapillary renal cell carcinoma; Diabetes mellitus type 1; Maturity-onset diabetes of the young type 3; Type 1 diabetes mellitus 20. Last evaluated: 2021-10-16. Review status: criteria provided, single submitter. Criteria: ACMG Guidelines, 2015. Collection method: clinical testing. Allele origin: unknown.

Blueprint Genetics
Classification: Uncertain significance. Last evaluated: 2021-09-17. Review status: criteria provided, single submitter. Criteria: ACMG Guidelines, 2015. Collection method: clinical testing. Allele origin: germline.

NM_000545.8(HNF1A):c.865C>A (p.Pro289Thr)

Gene: HNF1A (HNF1 homeobox A; plus strand). Cytogenetic location: 12q24.31.
Variant type: single nucleotide variant.
Coding change: c.865C>A on transcript NM_000545.8 (MANE Select); coding-DNA position 865, C replaced by A.
Protein change: p.Pro289Thr; replaces proline 289 with threonine.
Molecular consequence: missense variant.
Genome position (GRCh38, 1-based): chr12:120,994,315, C>A. VCF-style: chr12-120994315-C-A. GRCh37 (hg19) VCF-style: chr12-121432118-C-A.
Other names: c.865C>A, p.Pro289Thr (NM_001306179.2); short protein forms P289T.
Identifiers: ClinVar variation 1338671 (VCV001338671.10), dbSNP rs765829022, ClinGen allele CA6831849.